The following is an entry in ClinVar:

NM_001148.6(ANK2):c.7982C>T (p.Ser2661Phe)

Genes: ANK2 (ankyrin 2; plus strand), LOC126807137 (CDK7 strongly-dependent group 2 enhancer GRCh37_chr4:114276560-114277759; plus strand). Cytogenetic location: 4q26.
Variant type: single nucleotide variant.
Coding change: c.7982C>T on transcript NM_001148.6 (MANE Select); coding-DNA position 7982, C replaced by T.
Protein change: p.Ser2661Phe; replaces serine 2661 with phenylalanine.
Molecular consequence: missense variant. On other transcripts: intron variant (68).
Genome position (GRCh38, 1-based): chr4:113,356,600, C>T. VCF-style: chr4-113356600-C-T. GRCh37 (hg19) VCF-style: chr4-114277756-C-T.
Other names: c.7748C>T, p.Ser2583Phe (NM_001386142.1); c.4382C>T, p.Ser1461Phe (NM_001386166.1); c.8123C>T, p.Ser2708Phe (NM_001386174.1); c.8099C>T, p.Ser2700Phe (NM_001386175.1); c.4412-4223C>T (NM_001386186.2, NM_001386148.2); c.4214-4223C>T (NM_001354269.3); c.4292-4223C>T (NM_001386187.2); c.4253-4223C>T (NM_001386147.1); and 35 more; short protein forms S1461F, S2583F, S2661F, S2700F, S2708F.
Identifiers: ClinVar variation 2580079 (VCV002580079.1), dbSNP rs2505799217, ClinGen allele CA357932789.

ClinVar aggregate classification (germline): Uncertain significance (1 of 4 stars; one submission).

Submission:

GeneDx
Classification: Uncertain significance. Last evaluated: 2023-03-16. Review status: criteria provided, single submitter. Criteria: GeneDx Variant Classification Process June 2021. Collection method: clinical testing. Allele origin: germline. Affected: yes.
Comment: Not observed at significant frequency in large population cohorts (gnomAD); In silico analysis supports that this missense variant does not alter protein structure/function; Has not been previously published as pathogenic or benign to our knowledge